The following is an entry in ClinVar:

ClinVar aggregate classification (germline): Likely benign. Review status: criteria provided, multiple submitters, no conflicts (2 of 4 stars). 4 submissions from 4 submitters: Likely benign (3). 1 of the submissions does not count toward it. Last evaluated 2025-12-30.

Conditions:
Cohen syndrome (COH1). Also called: PEPPER SYNDROME; Cutis verticis gyrata, retinitis pigmentosa, and sensorineural deafness. Identifiers: Orphanet 193, MedGen C0265223, MONDO:0008999, OMIM 216550.
VPS13B-related disorder. Also called: VPS13B-related condition.

gnomAD v4.1: 40 of 1,613,976 alleles (0.0025%); highest among the groups gnomAD compares: South Asian, 0.034%; no homozygotes.

Submissions (4):

Labcorp Genetics (formerly Invitae), Labcorp
Classification: Likely benign for Cohen syndrome. Last evaluated: 2025-12-30. Review status: criteria provided, single submitter. Criteria: Invitae Variant Classification Sherloc (09022015). Collection method: clinical testing. Allele origin: germline.

PreventionGenetics, part of Exact Sciences
Classification: Likely benign for VPS13B-related condition. Last evaluated: 2024-11-09. Review status: criteria provided, single submitter. Criteria: ACMG Guidelines, 2015. Collection method: clinical testing. Allele origin: germline.
Comment: This variant is classified as likely benign based on ACMG/AMP sequence variant interpretation guidelines (Richards et al. 2015 PMID: 25741868, with internal and published modifications).

Blueprint Genetics
Classification: Likely benign. Last evaluated: 2023-06-01. Review status: criteria provided, single submitter. Criteria: ACMG Guidelines, 2015. Collection method: clinical testing. Allele origin: germline.

Natera, Inc.
Classification: Uncertain significance for Cohen syndrome. Last evaluated: 2020-01-24. Review status: no assertion criteria provided. Collection method: clinical testing. Allele origin: germline. Not counted in ClinVar's aggregate classification.

NM_152564.5(VPS13B):c.11244G>C (p.Pro3748=)

Gene: VPS13B (vacuolar protein sorting 13 homolog B; plus strand). Cytogenetic location: 8q22.2.
Variant type: single nucleotide variant.
Coding change: c.11244G>C on transcript NM_152564.5 (MANE Select); coding-DNA position 11244, G replaced by C.
Protein change: p.Pro3748=; no amino-acid change (proline 3748 retained).
Molecular consequence: synonymous variant.
Genome position (GRCh38, 1-based): chr8:99,868,317, G>C. VCF-style: chr8-99868317-G-C. GRCh37 (hg19) VCF-style: chr8-100880545-G-C.
Other names: c.11319G>C, p.Pro3773= (NM_017890.5); c.11244G>C (NM_152564.4).
Identifiers: ClinVar variation 707366 (VCV000707366.11), dbSNP rs375229257, ClinGen allele CA4825193.